The following is an entry in ClinVar:

ClinVar aggregate classification (germline): Uncertain significance. Review status: criteria provided, multiple submitters, no conflicts (2 of 4 stars). 5 submissions from 5 submitters: Uncertain significance (5). Last evaluated 2026-08-06.

Conditions:
Inborn genetic diseases. Identifiers: MedGen C0950123, MeSH D030342.
Mosaic variegated aneuploidy syndrome 1 (MVA1). Also called: Warburton-Anyane-Yeboa syndrome. Identifiers: Orphanet 1052, MedGen C1850343, MONDO:0009759, OMIM 257300.
BUB1B-related disorder. Also called: BUB1B-related condition.

Allele frequency attached by ClinVar (database versions not stated): gnomAD 0.00001 and 0.00003; ExAC 0.00002; TOPMed 0.00002; gnomAD exomes 0.00001 and 0.00003.
gnomAD v4.1: 25 of 1,613,478 alleles (0.0015%); highest among the groups gnomAD compares: Middle Eastern, 0.066%; no homozygotes.

Submissions (5):

OLLIN Analises Genomicas, OLLIN
Classification: Uncertain significance for Mosaic variegated aneuploidy syndrome 1. Last evaluated: 2026-08-06. Review status: criteria provided, single submitter. Criteria: ACMG Guidelines 2015 PMID 25741868. Collection method: clinical testing. Allele origin: germline. Inheritance: Autosomal recessive inheritance.
Comment: This missense variant, located in exon 3 (of 23), has been reported in ClinVar (accession VCV000533902.15) and in gnomAD with an allele frequency of 0.0015%. However, to our knowledge, it has not been reported in the scientific literature. In silico analysis predicts that this variant has a tolerated effect. According to the currently available evidence, this variant has been classified as uncertain significance (PM2_P, BP4).

PreventionGenetics, part of Exact Sciences
Classification: Uncertain significance for BUB1B-related condition. Last evaluated: 2025-07-24. Review status: criteria provided, single submitter. Criteria: ACMG Guidelines, 2015. Collection method: clinical testing. Allele origin: germline.
Comment: The BUB1B c.229G>A variant is predicted to result in the amino acid substitution p.Val77Ile. To our knowledge, this variant has not been reported in the literature. This variant is reported in 0.0058% of alleles in individuals of Latino descent in gnomAD and is interpreted as variant of uncertain significance in ClinVar (Variation ID: 533902). At this time, the clinical significance of this variant is uncertain due to the absence of conclusive functional and genetic evidence.

Ambry Genetics
Classification: Uncertain significance for Inborn genetic diseases. Last evaluated: 2025-01-10. Review status: criteria provided, single submitter. Criteria: Ambry Variant Classification Scheme 2023. Collection method: clinical testing. Allele origin: germline.

Blueprint Genetics
Classification: Uncertain significance. Last evaluated: 2024-11-27. Review status: criteria provided, single submitter. Criteria: ACMG Guidelines, 2015. Collection method: clinical testing. Allele origin: germline.

Labcorp Genetics (formerly Invitae), Labcorp
Classification: Uncertain significance for Mosaic variegated aneuploidy syndrome 1. Last evaluated: 2023-08-02. Review status: criteria provided, single submitter. Criteria: Invitae Variant Classification Sherloc (09022015). Collection method: clinical testing. Allele origin: germline.
Comment: This sequence change replaces valine, which is neutral and non-polar, with isoleucine, which is neutral and non-polar, at codon 77 of the BUB1B protein (p.Val77Ile). This variant is present in population databases (rs774353130, gnomAD 0.006%). This variant has not been reported in the literature in individuals affected with BUB1B-related conditions. ClinVar contains an entry for this variant (Variation ID: 533902). An algorithm developed to predict the effect of missense changes on protein structure and function (PolyPhen-2) suggests that this variant is likely to be disruptive. In summary, the available evidence is currently insufficient to determine the role of this variant in disease. Therefore, it has been classified as a Variant of Uncertain Significance.

NM_001211.6(BUB1B):c.229G>A (p.Val77Ile)

Gene: BUB1B (BUB1 mitotic checkpoint serine/threonine kinase B; plus strand). Cytogenetic location: 15q15.1.
Variant type: single nucleotide variant.
Coding change: c.229G>A on transcript NM_001211.6 (MANE Select); coding-DNA position 229, G replaced by A.
Protein change: p.Val77Ile; replaces valine 77 with isoleucine.
Molecular consequence: missense variant.
Genome position (GRCh38, 1-based): chr15:40,170,111, G>A. VCF-style: chr15-40170111-G-A. GRCh37 (hg19) VCF-style: chr15-40462312-G-A.
Other names: short protein forms V77I.
Identifiers: ClinVar variation 533902 (VCV000533902.17), dbSNP rs774353130, ClinGen allele CA7475413.